The following is an entry in ClinVar:

ClinVar aggregate classification (germline): Conflicting classifications of pathogenicity. Review status: criteria provided, conflicting classifications (1 of 4 stars). 2 submissions from 2 submitters: Uncertain significance (1); Likely benign (1). Last evaluated 2024-10-05.

Conditions:
Bloom syndrome (BLM). Also called: Bloom-Torre-Machacek syndrome. Identifiers: Orphanet 125, MedGen C0005859, MONDO:0008876, OMIM 210900.
Hereditary cancer-predisposing syndrome. Also called: Hereditary Cancer Syndrome; Tumor predisposition; Hereditary neoplastic syndrome; Neoplastic Syndromes, Hereditary. Identifiers: Orphanet 140162, MedGen C0027672, MeSH D009386, MONDO:0015356.

gnomAD v4.1: 2 of 1,612,444 alleles (0.00012%); highest among the groups gnomAD compares: South Asian, 0.0011%; no homozygotes.

Submissions (2):

Ambry Genetics
Classification: Likely benign for Hereditary cancer-predisposing syndrome. Last evaluated: 2024-10-05. Review status: criteria provided, single submitter. Criteria: Ambry Variant Classification Scheme 2023. Collection method: clinical testing. Allele origin: germline.

Labcorp Genetics (formerly Invitae), Labcorp
Classification: Uncertain significance for Bloom syndrome. Last evaluated: 2024-02-24. Review status: criteria provided, single submitter. Criteria: Invitae Variant Classification Sherloc (09022015). Collection method: clinical testing. Allele origin: germline.
Comment: This sequence change replaces lysine, which is basic and polar, with asparagine, which is neutral and polar, at codon 273 of the BLM protein (p.Lys273Asn). This variant is not present in population databases (gnomAD no frequency). This variant has not been reported in the literature in individuals affected with BLM-related conditions. ClinVar contains an entry for this variant (Variation ID: 1414637). Algorithms developed to predict the effect of missense changes on protein structure and function output the following: SIFT: "Not Available"; PolyPhen-2: "Benign"; Align-GVGD: "Not Available". The asparagine amino acid residue is found in multiple mammalian species, which suggests that this missense change does not adversely affect protein function. In summary, the available evidence is currently insufficient to determine the role of this variant in disease. Therefore, it has been classified as a Variant of Uncertain Significance.

NM_000057.4(BLM):c.819G>T (p.Lys273Asn)

Gene: BLM (BLM RecQ like helicase; plus strand). Cytogenetic location: 15q26.1.
Variant type: single nucleotide variant.
Coding change: c.819G>T on transcript NM_000057.4 (MANE Select); coding-DNA position 819, G replaced by T.
Protein change: p.Lys273Asn; replaces lysine 273 with asparagine.
Molecular consequence: missense variant. On other transcripts: 5 prime UTR variant (1).
Genome position (GRCh38, 1-based): chr15:90,751,806, G>T. VCF-style: chr15-90751806-G-T. GRCh37 (hg19) VCF-style: chr15-91295036-G-T.
Other names: c.819G>T, p.Lys273Asn (NM_001287246.2, NM_001287247.2); c.-473G>T (NM_001287248.2); short protein forms K273N.
Identifiers: ClinVar variation 1414637 (VCV001414637.9), dbSNP rs2151149532, ClinGen allele CA393841653.